The following is an entry in ClinVar:

ClinVar aggregate classification (germline): Uncertain significance (1 of 4 stars; one submission).

Conditions:
KBG syndrome (KBGS). Also called: ANKRD11-Related KBG Syndrome. Identifiers: Orphanet 2332, MedGen C0220687, MONDO:0007846, OMIM 148050.

Submission:

Labcorp Genetics (formerly Invitae), Labcorp
Classification: Uncertain significance for KBG syndrome. Last evaluated: 2025-08-22. Review status: criteria provided, single submitter. Criteria: Invitae Variant Classification Sherloc (09022015). Collection method: clinical testing. Allele origin: germline.
Comment: This variant, c.6046_6075dup, results in the insertion of 10 amino acid(s) of the ANKRD11 protein (p.Pro2016_Tyr2025dup), but otherwise preserves the integrity of the reading frame. The frequency data for this variant in the population databases is considered unreliable, as metrics indicate poor data quality at this position in the gnomAD database. This variant has not been reported in the literature in individuals affected with ANKRD11-related conditions. ClinVar contains an entry for this variant (Variation ID: 2062523). In summary, the available evidence is currently insufficient to determine the role of this variant in disease. Therefore, it has been classified as a Variant of Uncertain Significance.

NM_013275.6(ANKRD11):c.6046_6075dup (p.Tyr2025_Ala2026insProAlaProProAlaSerProAlaProTyr)

Gene: ANKRD11 (ankyrin repeat domain 11; minus strand). Cytogenetic location: 16q24.3.
Variant type: Duplication.
Coding change: c.6046_6075dup on transcript NM_013275.6 (MANE Select); coding-DNA positions 6046 to 6075, 30 bases duplicated (CCCGCCCCTCCCGCCTCTCCTGCCCCGTAC).
Protein change: p.Tyr2025_Ala2026insProAlaProProAlaSerProAlaProTyr.
Molecular consequence: inframe insertion.
Genome position (GRCh38, 1-based): chr16:89,280,467-89,280,496, GTACGGGGCAGGAGAGGCGGGAGGGGCGGG duplicated on the plus strand (CCCGCCCCTCCCGCCTCTCCTGCCCCGTAC on the coding strand, the reverse complement: ANKRD11 is on the minus strand); duplicating any 30 consecutive bases within chr16:89,280,467-89,280,502 gives the same sequence; the c. name uses the placement nearest the transcript's 3' end. VCF-style (leftmost placement, unchanged base first): chr16-89280466-C-CGTACGGGGCAGGAGAGGCGGGAGGGGCGGG. GRCh37 (hg19) VCF-style: chr16-89346874-C-CGTACGGGGCAGGAGAGGCGGGAGGGGCGGG.
Other names: c.6046_6075dup, p.Tyr2025_Ala2026insProAlaProProAlaSerProAlaProTyr (NM_001256182.2, NM_001256183.2).
Identifiers: ClinVar variation 2062523 (VCV002062523.4), dbSNP rs749868016, ClinGen allele CA8241604.
Genomic context (GRCh38, chr16:89,280,466, plus strand): 5'-CGGGGACGGCGTCCACTCCGTCCTTGACGTCCTCCAGCCCCGGCTCAGCGACGGGCAGAG[C>CGTACGGGGCAGGAGAGGCGGGAGGGGCGGG]GTACGGGGCAGGAGAGGCGGGAGGGGCGGGGTACGGCGCCTCCGAGGCGCTGAAGGGCCC-3'